The following is an entry in ClinVar:

ClinVar aggregate classification (germline): Conflicting classifications of pathogenicity. Review status: criteria provided, conflicting classifications (1 of 4 stars). 8 submissions from 8 submitters: Uncertain significance (2); Likely benign (5). 1 of the submissions does not count toward it. Last evaluated 2025-12-13.

Conditions:
TTN-related disorder. Also called: TTN-related disorders; TTN-related condition; TTN-related disease.
Cardiovascular phenotype. Identifiers: MedGen CN230736.
Dilated cardiomyopathy 1G (CMD1G). Identifiers: Orphanet 154, MedGen C1858763, MONDO:0011400, OMIM 604145.
Autosomal recessive limb-girdle muscular dystrophy type 2J (LGMDR10). Also called: Limb-girdle muscular dystrophy, type 2J; MUSCULAR DYSTROPHY, LIMB-GIRDLE, AUTOSOMAL RECESSIVE 10. Identifiers: Orphanet 140922, MedGen C1837342, MONDO:0012127, OMIM 608807.
Cardiomyopathy (CMYO). Also called: Cardiomyopathies. Identifiers: Orphanet 167848, MedGen C0878544, MONDO:0004994, HP:0001638. Inheritance: Various modes of inheritance.

Allele frequency attached by ClinVar (database versions not stated): gnomAD exomes 0.00002 and 0.00008; gnomAD 0.00007 and 0.00009; ExAC 0.00008; TOPMed 0.00013; 1000 Genomes Project 30x 0.00016; 1000 Genomes Project 0.00020.
gnomAD v4.1: 45 of 1,613,784 alleles (0.0028%); highest among the groups gnomAD compares: African/African-American, 0.037%; no homozygotes.

Submissions (8):

Labcorp Genetics (formerly Invitae), Labcorp
Classification: Likely benign for Dilated cardiomyopathy 1G; Autosomal recessive limb-girdle muscular dystrophy type 2J. Last evaluated: 2025-12-13. Review status: criteria provided, single submitter. Criteria: Invitae Variant Classification Sherloc (09022015). Collection method: clinical testing. Allele origin: germline.

ARUP Laboratories, Molecular Genetics and Genomics, ARUP Laboratories
Classification: Likely benign. Last evaluated: 2020-08-23. Review status: criteria provided, single submitter. Criteria: ARUP Molecular Germline Variant Investigation Process. Collection method: clinical testing. Allele origin: germline.

GeneDx
Classification: Likely benign. Last evaluated: 2020-07-15. Review status: criteria provided, single submitter. Criteria: GeneDx Variant Classification Process June 2021. Collection method: clinical testing. Allele origin: germline. Affected: yes.

Eurofins Ntd Llc (ga)
Classification: Uncertain significance. Last evaluated: 2018-07-30. Review status: criteria provided, single submitter. Criteria: EGL ClinVar v180209 classification definitions. Collection method: clinical testing. Allele origin: germline. Observed: 2 variant alleles, 2 heterozygotes.

Ambry Genetics
Classification: Likely benign for Cardiovascular phenotype. Last evaluated: 2017-11-20. Review status: criteria provided, single submitter. Criteria: Ambry Variant Classification Scheme 2023. Collection method: clinical testing. Allele origin: germline.

CHEO Genetics Diagnostic Laboratory, Children's Hospital of Eastern Ontario
Classification: Uncertain significance for Cardiomyopathy. Last evaluated: 2016-06-17. Review status: criteria provided, single submitter. Criteria: ACMG Guidelines, 2015. Collection method: clinical testing. Allele origin: germline. Study: Canadian Open Genetics Repository.

Laboratory for Molecular Medicine, Mass General Brigham Personalized Medicine
Classification: Likely benign. Last evaluated: 2013-12-05. Review status: criteria provided, single submitter. Criteria: LMM Criteria. Collection method: clinical testing. Allele origin: germline. Observed: 1 variant allele.
Comment: Ser4390Ser in exon 45B of TTN: This variant (dbSNP rs183328495) is not expected to have clinical significance because it does not alter an amino acid residue an d is not located within the splice consensus sequence.

PreventionGenetics, part of Exact Sciences
Classification: Likely benign for TTN-related condition. Last evaluated: 2019-10-28. Review status: no assertion criteria provided. Collection method: clinical testing. Allele origin: germline. Not counted in ClinVar's aggregate classification.
Comment: This variant is classified as likely benign based on ACMG/AMP sequence variant interpretation guidelines (Richards et al. 2015 PMID: 25741868, with internal and published modifications).

NM_001267550.2(TTN):c.13884C>T (p.Ser4628=)

Gene: TTN (titin; minus strand). Cytogenetic location: 2q31.2.
Variant type: single nucleotide variant.
Coding change: c.13884C>T on transcript NM_001267550.2 (MANE Select); coding-DNA position 13884, C replaced by T.
Protein change: p.Ser4628=; no amino-acid change (serine 4628 retained).
Molecular consequence: synonymous variant. On other transcripts: intron variant (1).
Genome position (GRCh38, 1-based): chr2:178,739,349, G>A on the plus strand (C>T on the coding strand, the complement: TTN is on the minus strand). VCF-style: chr2-178739349-G-A. GRCh37 (hg19) VCF-style: chr2-179604076-G-A.
Other names: c.12933C>T, p.Ser4311= (NM_001256850.1); c.12795C>T, p.Ser4265= (NM_003319.4); c.13170C>T, p.Ser4390= (NM_133432.3); c.13371C>T, p.Ser4457= (NM_133437.4); c.10361-989C>T (NM_133378.4).
Identifiers: ClinVar variation 179057 (VCV000179057.36), dbSNP rs183328495, ClinGen allele CA183643.